The following is an entry in ClinVar:

NM_032043.3(BRIP1):c.3712C>T (p.Pro1238Ser)

Gene: BRIP1 (BRCA1 interacting DNA helicase 1; minus strand). Cytogenetic location: 17q23.2.
Variant type: single nucleotide variant.
Coding change: c.3712C>T on transcript NM_032043.3 (MANE Select); coding-DNA position 3712, C replaced by T.
Protein change: p.Pro1238Ser; replaces proline 1238 with serine.
Molecular consequence: missense variant.
Genome position (GRCh38, 1-based): chr17:61,683,334, G>A on the plus strand (C>T on the coding strand, the complement: BRIP1 is on the minus strand). VCF-style: chr17-61683334-G-A. GRCh37 (hg19) VCF-style: chr17-59760695-G-A.
Other names: short protein forms P1238S.
Identifiers: ClinVar variation 1734210 (VCV001734210.6), dbSNP rs1192747697, ClinGen allele CA400477768.

ClinVar aggregate classification (germline): Uncertain significance. Review status: criteria provided, multiple submitters, no conflicts (2 of 4 stars). 3 submissions from 3 submitters: Uncertain significance (3). Last evaluated 2024-10-12.

Conditions:
Hereditary cancer-predisposing syndrome. Also called: Neoplastic Syndromes, Hereditary; Tumor predisposition; Hereditary Cancer Syndrome; Hereditary neoplastic syndrome. Identifiers: Orphanet 140162, MedGen C0027672, MeSH D009386, MONDO:0015356.
Fanconi anemia complementation group J. Also called: BRIP1-Related Fanconi Anemia. Identifiers: Orphanet 84, MedGen C1836860, MONDO:0012187, OMIM 609054.
Familial cancer of breast. Also called: BREAST CANCER, FAMILIAL; Hereditary breast cancer; hereditary breast carcinoma. Identifiers: Orphanet 227535, MedGen C0346153, MONDO:0016419, OMIM 114480. Disease mechanism: loss of function.

Allele frequency attached by ClinVar (database versions not stated): gnomAD exomes below 0.00001.
gnomAD v4.1: 1 of 1,610,862 alleles (0.000062%); highest among the groups gnomAD compares: South Asian, 0.0011%; no homozygotes.

Submissions (3):

Labcorp Genetics (formerly Invitae), Labcorp
Classification: Uncertain significance for Familial cancer of breast; Fanconi anemia complementation group J. Last evaluated: 2024-10-12. Review status: criteria provided, single submitter. Criteria: Invitae Variant Classification Sherloc (09022015). Collection method: clinical testing. Allele origin: germline.
Comment: This sequence change replaces proline, which is neutral and non-polar, with serine, which is neutral and polar, at codon 1238 of the BRIP1 protein (p.Pro1238Ser). This variant is present in population databases (no rsID available, gnomAD 0.003%). This variant has not been reported in the literature in individuals affected with BRIP1-related conditions. ClinVar contains an entry for this variant (Variation ID: 1734210). Invitae Evidence Modeling of protein sequence and biophysical properties (such as structural, functional, and spatial information, amino acid conservation, physicochemical variation, residue mobility, and thermodynamic stability) indicates that this missense variant is not expected to disrupt BRIP1 protein function with a negative predictive value of 95%. In summary, the available evidence is currently insufficient to determine the role of this variant in disease. Therefore, it has been classified as a Variant of Uncertain Significance.

GeneDx
Classification: Uncertain significance. Last evaluated: 2023-06-15. Review status: criteria provided, single submitter. Criteria: GeneDx Variant Classification Process June 2021. Collection method: clinical testing. Allele origin: germline. Affected: yes.
Comment: Not observed at significant frequency in large population cohorts (gnomAD); In silico analysis supports that this missense variant does not alter protein structure/function; Has not been previously published as pathogenic or benign to our knowledge

Ambry Genetics
Classification: Uncertain significance for Hereditary cancer-predisposing syndrome. Last evaluated: 2023-01-25. Review status: criteria provided, single submitter. Criteria: Ambry Variant Classification Scheme 2023. Collection method: clinical testing. Allele origin: germline.
Comment: The p.P1238S variant (also known as c.3712C>T), located in coding exon 19 of the BRIP1 gene, results from a C to T substitution at nucleotide position 3712. The proline at codon 1238 is replaced by serine, an amino acid with similar properties. This amino acid position is well conserved in available vertebrate species. In addition, this alteration is predicted to be tolerated by in silico analysis. Since supporting evidence is limited at this time, the clinical significance of this alteration remains unclear.